The following is an entry in ClinVar:

NM_007194.4(CHEK2):c.1321A>G (p.Thr441Ala)

Gene: CHEK2 (checkpoint kinase 2; minus strand). Cytogenetic location: 22q12.1.
Variant type: single nucleotide variant.
Coding change: c.1321A>G on transcript NM_007194.4 (MANE Select); coding-DNA position 1321, A replaced by G.
Protein change: p.Thr441Ala; replaces threonine 441 with alanine.
Molecular consequence: missense variant.
Genome position (GRCh38, 1-based): chr22:28,695,181, T>C on the plus strand (A>G on the coding strand, the complement: CHEK2 is on the minus strand). VCF-style: chr22-28695181-T-C. GRCh37 (hg19) VCF-style: chr22-29091169-T-C.
Other names: c.1450A>G, p.Thr484Ala (NM_001005735.3); c.658A>G, p.Thr220Ala (NM_001257387.3); c.1120A>G, p.Thr374Ala (NM_001349956.3); c.1234A>G, p.Thr412Ala (NM_145862.3); short protein forms T441A, T220A, T484A, T374A, T412A.
Identifiers: ClinVar variation 232878 (VCV000232878.25), dbSNP rs876660046, ClinGen allele CA10581041.

ClinVar aggregate classification (germline): Uncertain significance. Review status: criteria provided, multiple submitters, no conflicts (2 of 4 stars). 7 submissions from 7 submitters: Uncertain significance (7). Last evaluated 2026-01-26.

Conditions:
Familial cancer of breast. Also called: BREAST CANCER, FAMILIAL; hereditary breast carcinoma; Hereditary breast cancer. Identifiers: Orphanet 227535, MedGen C0346153, MONDO:0016419, OMIM 114480. Disease mechanism: loss of function.
Hereditary cancer-predisposing syndrome. Also called: Neoplastic Syndromes, Hereditary; Tumor predisposition; Hereditary Cancer Syndrome; Hereditary neoplastic syndrome. Identifiers: Orphanet 140162, MedGen C0027672, MeSH D009386, MONDO:0015356.

Allele frequency attached by ClinVar (database versions not stated): gnomAD 0.00001; gnomAD exomes 0.00001; TOPMed 0.00001.

Submissions (7):

Labcorp Genetics (formerly Invitae), Labcorp
Classification: Uncertain significance for Familial cancer of breast. Last evaluated: 2026-01-26. Review status: criteria provided, single submitter. Criteria: Invitae Variant Classification Sherloc (09022015). Collection method: clinical testing. Allele origin: germline.
Comment: This sequence change replaces threonine, which is neutral and polar, with alanine, which is neutral and non-polar, at codon 441 of the CHEK2 protein (p.Thr441Ala). This variant is present in population databases (no rsID available, gnomAD 0.006%). This variant has not been reported in the literature in individuals affected with CHEK2-related conditions. ClinVar contains an entry for this variant (Variation ID: 232878). An algorithm developed to predict the effect of missense changes on protein structure and function (PolyPhen-2) suggests that this variant is likely to be tolerated. In summary, the available evidence is currently insufficient to determine the role of this variant in disease. Therefore, it has been classified as a Variant of Uncertain Significance.

Ambry Genetics
Classification: Uncertain significance for Hereditary cancer-predisposing syndrome. Last evaluated: 2025-09-16. Review status: criteria provided, single submitter. Criteria: Ambry Variant Classification Scheme 2023. Collection method: clinical testing. Allele origin: germline.
Comment: The p.T441A variant (also known as c.1321A>G), located in coding exon 11 of the CHEK2 gene, results from an A to G substitution at nucleotide position 1321. The threonine at codon 441 is replaced by alanine, an amino acid with similar properties. This amino acid position is not well conserved in available vertebrate species. In addition, this alteration is predicted to be tolerated by in silico analysis. Since supporting evidence is limited at this time, the clinical significance of this alteration remains unclear.

Quest Diagnostics Nichols Institute San Juan Capistrano
Classification: Uncertain significance. Last evaluated: 2025-02-04. Review status: criteria provided, single submitter. Criteria: Quest Diagnostics criteria. Collection method: clinical testing. Allele origin: unknown.
Comment: The CHEK2 c.1321A>G (p.Thr441Ala) variant has been identified in the published literature only in a reportedly healthy individual in a case-control study of breast cancer (PMID: 37449874 (2023)). The frequency of this variant in the general population (Genome Aggregation Database) is uninformative in the assessment of its pathogenicity. Analysis of this variant using bioinformatics tools for the prediction of the effect of amino acid changes on protein structure and function yielded predictions that this variant is benign. Based on the available information, we are unable to determine the clinical significance of this variant.

Baylor Genetics
Classification: Uncertain significance for Familial cancer of breast. Last evaluated: 2024-03-14. Review status: criteria provided, single submitter. Criteria: ACMG Guidelines, 2015. Collection method: clinical testing. Allele origin: unknown.

GeneDx
Classification: Uncertain significance. Last evaluated: 2021-07-27. Review status: criteria provided, single submitter. Criteria: GeneDx Variant Classification Process June 2021. Collection method: clinical testing. Allele origin: germline. Affected: yes.
Comment: Not observed at significant frequency in large population cohorts (Lek et al., 2016); In silico analysis, which includes protein predictors and evolutionary conservation, supports that this variant does not alter protein structure/function; Has not been previously published as pathogenic or benign to our knowledge; This variant is associated with the following publications: (PMID: 22419737, 19782031)

Color Diagnostics, LLC DBA Color Health
Classification: Uncertain significance for Hereditary cancer-predisposing syndrome. Last evaluated: 2021-04-20. Review status: criteria provided, single submitter. Criteria: ACMG Guidelines, 2015. Collection method: clinical testing. Allele origin: germline.
Comment: This missense variant replaces threonine with alanine at codon 441 of the CHEK2 protein. Computational prediction is inconclusive regarding the impact of this variant on protein structure and function (internally defined REVEL score threshold 0.5 < inconclusive < 0.7, PMID: 27666373). To our knowledge, functional studies have not been reported for this variant. This variant has not been reported in individuals affected with hereditary cancer in the literature. This variant has been identified in 2/251070 chromosomes in the general population by the Genome Aggregation Database (gnomAD). The available evidence is insufficient to determine the role of this variant in disease conclusively. Therefore, this variant is classified as a Variant of Uncertain Significance.

Mendelics
Classification: Uncertain significance for Familial cancer of breast. Last evaluated: 2019-05-28. Review status: criteria provided, single submitter. Criteria: Mendelics Assertion Criteria 2017. Collection method: clinical testing. Allele origin: unknown.

Literature cited by the submitters: PubMed 37449874 (cited by Quest Diagnostics Nichols Institute San Juan Capistrano).